The following is an entry in ClinVar:

NM_198253.3(TERT):c.728C>A (p.Ala243Asp)

Gene: TERT (telomerase reverse transcriptase; minus strand). Cytogenetic location: 5p15.33.
Variant type: single nucleotide variant.
Coding change: c.728C>A on transcript NM_198253.3 (MANE Select); coding-DNA position 728, C replaced by A.
Protein change: p.Ala243Asp; replaces alanine 243 with aspartic acid.
Molecular consequence: missense variant. On other transcripts: non-coding transcript variant (2).
Genome position (GRCh38, 1-based): chr5:1,294,158, G>T on the plus strand (C>A on the coding strand, the complement: TERT is on the minus strand). VCF-style: chr5-1294158-G-T. GRCh37 (hg19) VCF-style: chr5-1294273-G-T.
Other names: c.728C>A, p.Ala243Asp (NM_001193376.3); short protein forms A243D.
Identifiers: ClinVar variation 3967334 (VCV003967334.1).

ClinVar aggregate classification (germline): Uncertain significance (1 of 4 stars; one submission).

Conditions:
Dyskeratosis congenita. Identifiers: Orphanet 1775, MedGen C0265965, MONDO:0015780.

gnomAD v4.1: 2 of 1,580,632 alleles (0.00013%); highest among the groups gnomAD compares: Non-Finnish European, 0.00017%; no homozygotes.

Submission:

Ambry Genetics
Classification: Uncertain significance for Dyskeratosis congenita. Last evaluated: 2025-03-20. Review status: criteria provided, single submitter. Criteria: Ambry Variant Classification Scheme 2023. Collection method: clinical testing. Allele origin: germline.
Comment: The p.A243D variant (also known as c.728C>A), located in coding exon 2 of the TERT gene, results from a C to A substitution at nucleotide position 728. The alanine at codon 243 is replaced by aspartic acid, an amino acid with dissimilar properties. This amino acid position is conserved. In addition, this alteration is predicted to be tolerated by in silico analysis. Based on the available evidence, the clinical significance of this variant remains unclear.